The following is an entry in ClinVar:

NM_007194.4(CHEK2):c.1552A>G (p.Ser518Gly)

Gene: CHEK2 (checkpoint kinase 2; minus strand). Cytogenetic location: 22q12.1.
Variant type: single nucleotide variant.
Coding change: c.1552A>G on transcript NM_007194.4 (MANE Select); coding-DNA position 1552, A replaced by G.
Protein change: p.Ser518Gly; replaces serine 518 with glycine.
Molecular consequence: missense variant.
Genome position (GRCh38, 1-based): chr22:28,687,977, T>C on the plus strand (A>G on the coding strand, the complement: CHEK2 is on the minus strand). VCF-style: chr22-28687977-T-C. GRCh37 (hg19) VCF-style: chr22-29083965-T-C.
Other names: c.1681A>G, p.Ser561Gly (NM_001005735.3); c.889A>G, p.Ser297Gly (NM_001257387.3); c.1351A>G, p.Ser451Gly (NM_001349956.3); c.1465A>G, p.Ser489Gly (NM_145862.3); short protein forms S518G, S297G, S451G, S561G, S489G.
Identifiers: ClinVar variation 581196 (VCV000581196.18), dbSNP rs753560465, ClinGen allele CA411091460.
Genomic context (GRCh38, chr22:28,687,977, plus strand): 5'-CAGCTGGGCGCTTTGTGGTCTCGGCACCCTCGGCTTCCCCTTCACGGGGCCGCTTTCGAC[T>C]AGTAGAAGGCTGAAAATAAAGGAAAATGGAGAAATGTTCAAAAGAAAATCACTGGCTTCT-3'
Protein context (NP_009125.1, residues 508-528): LPQVLAQPST[Ser518Gly]RKRPREGEAE

ClinVar aggregate classification (germline): Uncertain significance. Review status: criteria provided, multiple submitters, no conflicts (2 of 4 stars). 4 submissions from 4 submitters: Uncertain significance (4). Last evaluated 2026-01-04.

Conditions:
Hereditary cancer-predisposing syndrome. Also called: Neoplastic Syndromes, Hereditary; Tumor predisposition; Hereditary neoplastic syndrome; Hereditary Cancer Syndrome. Identifiers: Orphanet 140162, MedGen C0027672, MeSH D009386, MONDO:0015356.
Familial cancer of breast. Also called: BREAST CANCER, FAMILIAL; hereditary breast carcinoma; Hereditary breast cancer. Identifiers: Orphanet 227535, MedGen C0346153, MONDO:0016419, OMIM 114480. Disease mechanism: loss of function.

Allele frequency attached by ClinVar (database versions not stated): TOPMed below 0.00001; gnomAD 0.00001.

Submissions (4):

Labcorp Genetics (formerly Invitae), Labcorp
Classification: Uncertain significance for Familial cancer of breast. Last evaluated: 2026-01-04. Review status: criteria provided, single submitter. Criteria: Invitae Variant Classification Sherloc (09022015). Collection method: clinical testing. Allele origin: germline.
Comment: This sequence change replaces serine, which is neutral and polar, with glycine, which is neutral and non-polar, at codon 518 of the CHEK2 protein (p.Ser518Gly). This variant is not present in population databases (gnomAD no frequency). This variant has not been reported in the literature in individuals affected with CHEK2-related conditions. ClinVar contains an entry for this variant (Variation ID: 581196). An algorithm developed to predict the effect of missense changes on protein structure and function (PolyPhen-2) suggests that this variant is likely to be tolerated. In summary, the available evidence is currently insufficient to determine the role of this variant in disease. Therefore, it has been classified as a Variant of Uncertain Significance.

Ambry Genetics
Classification: Uncertain significance for Hereditary cancer-predisposing syndrome. Last evaluated: 2024-04-26. Review status: criteria provided, single submitter. Criteria: Ambry Variant Classification Scheme 2023. Collection method: clinical testing. Allele origin: germline.
Comment: The p.S518G variant (also known as c.1552A>G), located in coding exon 14 of the CHEK2 gene, results from an A to G substitution at nucleotide position 1552. The serine at codon 518 is replaced by glycine, an amino acid with similar properties. This amino acid position is highly conserved in available vertebrate species. In addition, this alteration is predicted to be tolerated by in silico analysis. Since supporting evidence is limited at this time, the clinical significance of this alteration remains unclear.

Baylor Genetics
Classification: Uncertain significance for Familial cancer of breast. Last evaluated: 2023-05-05. Review status: criteria provided, single submitter. Criteria: ACMG Guidelines, 2015. Collection method: clinical testing. Allele origin: unknown.

GeneDx
Classification: Uncertain significance. Last evaluated: 2021-05-12. Review status: criteria provided, single submitter. Criteria: GeneDx Variant Classification Process June 2021. Collection method: clinical testing. Allele origin: germline. Affected: yes.
Comment: Not observed in large population cohorts (Lek 2016); In silico analysis supports that this missense variant does not alter protein structure/function; Observed in an individual with ovarian cancer (Song 2021); This variant is associated with the following publications: (PMID: 32546565)